The following is an entry in ClinVar:

ClinVar aggregate classification (germline): Pathogenic. Review status: criteria provided, multiple submitters, no conflicts (2 of 4 stars). 2 submissions from 2 submitters: Pathogenic (2). Last evaluated 2025-09-20.
ClinVar aggregate classification (oncogenicity): Likely oncogenic (1 of 4 stars; one submission).

Conditions:
Multiple endocrine neoplasia type 4. Also called: MULTIPLE ENDOCRINE NEOPLASIA, TYPE IV. Identifiers: Orphanet 276152, MedGen C1970712, MONDO:0012552, OMIM 610755.
Hereditary cancer-predisposing syndrome. Also called: Hereditary Cancer Syndrome; Hereditary neoplastic syndrome; Tumor predisposition; Neoplastic Syndromes, Hereditary. Identifiers: Orphanet 140162, MedGen C0027672, MeSH D009386, MONDO:0015356.
Neoplasm. Also called: Neoplasms; Neoplasm (disease); tumor. Identifiers: MedGen C0027651, MeSH D009369, MONDO:0005070, HP:0002664.

Submissions (3):

Center for Genomic Medicine, Rigshospitalet, Copenhagen University Hospital
Classification: Likely oncogenic for Neoplasm. Last evaluated: 2025-12-29. Review status: criteria provided, single submitter. Criteria: ClinGen/CGC/VICC Guidelines for Oncogenicity, 2022. Collection method: clinical testing. Allele origin: somatic. Affected: yes.

Labcorp Genetics (formerly Invitae), Labcorp
Classification: Pathogenic for Multiple endocrine neoplasia type 4. Last evaluated: 2025-09-20. Review status: criteria provided, single submitter. Criteria: Invitae Variant Classification Sherloc (09022015). Collection method: clinical testing. Allele origin: germline.
Comment: This sequence change creates a premature translational stop signal (p.Pro137Argfs*8) in the CDKN1B gene. It is expected to result in an absent or disrupted protein product. Loss-of-function variants in CDKN1B are known to be pathogenic (PMID: 17030811, 24819502). This variant is present in population databases (no rsID available, gnomAD 0.0009%). This variant has not been reported in the literature in individuals affected with CDKN1B-related conditions. ClinVar contains an entry for this variant (Variation ID: 1455877). For these reasons, this variant has been classified as Pathogenic.

Ambry Genetics
Classification: Pathogenic for Hereditary cancer-predisposing syndrome. Last evaluated: 2025-09-09. Review status: criteria provided, single submitter. Criteria: Ambry Variant Classification Scheme 2023. Collection method: clinical testing. Allele origin: germline.
Comment: The c.410delC (p.P137Rfs*8) alteration, located in exon 1 (coding exon 1) of the CDKN1B gene, consists of a deletion of one nucleotide at position 410, causing a translational frameshift with a predicted alternate stop codon after 8 amino acids. This alteration is expected to result in loss of function by premature protein truncation or nonsense-mediated mRNA decay. This variant was not reported in population-based cohorts in the Genome Aggregation Database (gnomAD). Based on the available evidence, this alteration is classified as pathogenic.

Literature cited by the submitters: PubMed 10903892 (cited by Center for Genomic Medicine, Rigshospitalet, Copenhagen University Hospital); PubMed 17030811 (cited by Labcorp Genetics (formerly Invitae), Labcorp); PubMed 24819502 (cited by Labcorp Genetics (formerly Invitae), Labcorp).

NM_004064.5(CDKN1B):c.410del (p.Pro137fs)

Gene: CDKN1B (cyclin dependent kinase inhibitor 1B; plus strand). Cytogenetic location: 12p13.1.
Variant type: Deletion.
Coding change: c.410del on transcript NM_004064.5 (MANE Select); coding-DNA position 410, one base deleted (C; older notation c.410delC).
Protein change: p.Pro137fs; shifts the reading frame from proline 137.
Molecular consequence: frameshift variant.
Genome position (GRCh38, 1-based): chr12:12,718,249, C deleted; the last of 2 consecutive C bases (chr12:12,718,248-12,718,249); deleting either gives the same sequence. VCF-style (leftmost placement, unchanged base first): chr12-12718247-TC-T. GRCh37 (hg19) VCF-style: chr12-12871181-TC-T.
Other names: c.410delC (NM_004064.5); short protein forms P137fs.
Identifiers: ClinVar variation 1455877 (VCV001455877.10), dbSNP rs1328655695, ClinGen allele CA478845840.